The following is an entry in ClinVar:

NM_005751.5(AKAP9):c.4963del (p.Val1655fs)

Genes: AKAP9 (A-kinase anchoring protein 9; plus strand), LOC121175350 (Sharpr-MPRA regulatory region 2641; plus strand). Cytogenetic location: 7q21.2.
Variant type: Deletion.
Coding change: c.4963del on transcript NM_005751.5 (MANE Select); coding-DNA position 4963, one base deleted (G; older notation c.4963delG).
Protein change: p.Val1655fs; shifts the reading frame from valine 1655.
Molecular consequence: frameshift variant.
Genome position (GRCh38, 1-based): chr7:92,042,091, G deleted; the last of 3 consecutive G bases (chr7:92,042,089-92,042,091); deleting any one gives the same sequence. VCF-style (leftmost placement, unchanged base first): chr7-92042088-AG-A. GRCh37 (hg19) VCF-style: chr7-91671402-AG-A.
Other names: c.4963del, p.Val1655fs (NM_147185.3); short protein forms V1655fs.
Identifiers: ClinVar variation 1351435 (VCV001351435.6), dbSNP rs1266814024, ClinGen allele CA576287842.

ClinVar aggregate classification (germline): Uncertain significance (1 of 4 stars; one submission).

Conditions:
Long QT syndrome (LQTS). Identifiers: MedGen C0023976, MeSH D008133, MONDO:0002442. Disease mechanism: loss of function. Inheritance: Various modes of inheritance.

Submission:

Labcorp Genetics (formerly Invitae), Labcorp
Classification: Uncertain significance for Long QT syndrome. Last evaluated: 2020-11-25. Review status: criteria provided, single submitter. Criteria: Invitae Variant Classification Sherloc (09022015). Collection method: clinical testing. Allele origin: germline.
Comment: Algorithms developed to predict the effect of sequence changes on RNA splicing suggest that this variant may create or strengthen a splice site, but this prediction has not been confirmed by published transcriptional studies. This variant has not been reported in the literature in individuals with AKAP9-related conditions. This variant is not present in population databases (ExAC no frequency). This sequence change creates a premature translational stop signal (p.Val1655Cysfs*3) in the AKAP9 gene. It is expected to result in an absent or disrupted protein product. However, the current clinical and genetic evidence is not sufficient to establish whether loss-of-function variants in AKAP9 cause disease. In summary, the available evidence is currently insufficient to determine the role of this variant in disease. Therefore, it has been classified as a Variant of Uncertain Significance.